The following is an entry in ClinVar:

NM_000059.4(BRCA2):c.4538A>T (p.Asp1513Val)

Gene: BRCA2 (BRCA2 DNA repair associated; plus strand). Cytogenetic location: 13q13.1.
Variant type: single nucleotide variant.
Coding change: c.4538A>T on transcript NM_000059.4 (MANE Select); coding-DNA position 4538, A replaced by T.
Protein change: p.Asp1513Val; replaces aspartic acid 1513 with valine.
Molecular consequence: missense variant.
Genome position (GRCh38, 1-based): chr13:32,338,893, A>T. VCF-style: chr13-32338893-A-T. GRCh37 (hg19) VCF-style: chr13-32913030-A-T.
Other names: short protein forms D1513V.
Identifiers: ClinVar variation 619807 (VCV000619807.12), dbSNP rs1566230577, ClinGen allele CA387781733.

ClinVar aggregate classification (germline): Conflicting classifications of pathogenicity. Review status: criteria provided, conflicting classifications (1 of 4 stars). 3 submissions from 3 submitters: Uncertain significance (2); Likely benign (1). Last evaluated 2023-03-23.

Conditions:
Hereditary cancer-predisposing syndrome. Also called: Tumor predisposition; Hereditary Cancer Syndrome; Neoplastic Syndromes, Hereditary; Hereditary neoplastic syndrome. Identifiers: Orphanet 140162, MedGen C0027672, MeSH D009386, MONDO:0015356.
Hereditary breast ovarian cancer syndrome. Also called: BRCA1- and BRCA2-Associated Hereditary Breast and Ovarian Cancer; Hereditary breast and ovarian cancer syndrome; Hereditary breast and ovarian cancer; Hereditary breast and ovarian cancer syndrome (HBOC); Hereditary breast and/or ovarian cancer syndrome; Breast and ovarian cancer. Identifiers: Orphanet 145, MedGen C0677776, MeSH D061325, MONDO:0003582. Disease mechanism: loss of function.

Submissions (3):

University of Washington Department of Laboratory Medicine, University of Washington
Classification: Likely benign for Hereditary cancer-predisposing syndrome. Last evaluated: 2023-03-23. Review status: criteria provided, single submitter. Criteria: Dines et al. (Genet Med. 2020). Collection method: curation. Allele origin: germline.
Comment: Missense variant in a coldspot region where missense variants are very unlikely to be pathogenic (PMID:31911673).

BRCA2 exon 11 coldspot. Reclassification based on statistical prior probability.

Labcorp Genetics (formerly Invitae), Labcorp
Classification: Uncertain significance for Hereditary breast ovarian cancer syndrome. Last evaluated: 2020-10-19. Review status: criteria provided, single submitter. Criteria: Invitae Variant Classification Sherloc (09022015). Collection method: clinical testing. Allele origin: germline.
Comment: In summary, the available evidence is currently insufficient to determine the role of this variant in disease. Therefore, it has been classified as a Variant of Uncertain Significance. Advanced modeling of protein sequence and biophysical properties (such as structural, functional, and spatial information, amino acid conservation, physicochemical variation, residue mobility, and thermodynamic stability) performed at Invitae indicates that this missense variant is not expected to disrupt BRCA2 protein function. This variant has not been reported in the literature in individuals with BRCA2-related conditions. ClinVar contains an entry for this variant (Variation ID: 619807). This variant is not present in population databases (ExAC no frequency). This sequence change replaces aspartic acid with valine at codon 1513 of the BRCA2 protein (p.Asp1513Val). The aspartic acid residue is weakly conserved and there is a large physicochemical difference between aspartic acid and valine.

Quest Diagnostics Nichols Institute San Juan Capistrano
Classification: Uncertain significance. Last evaluated: 2018-06-20. Review status: criteria provided, single submitter. Criteria: Quest Diagnostics criteria. Collection method: clinical testing. Allele origin: germline.